The following is an entry in ClinVar:

ClinVar aggregate classification (germline): Pathogenic (1 of 4 stars; one submission).

Conditions:
Primary ciliary dyskinesia 3. Identifiers: Orphanet 244, MedGen C1837618, MONDO:0012085, OMIM 608644.

Submission:

Myriad Genetics, Inc.
Classification: Pathogenic for Primary ciliary dyskinesia 3. Last evaluated: 2025-08-27. Review status: criteria provided, single submitter. Criteria: Myriad Autosomal Dominant, Autosomal Recessive and X-Linked Classification Criteria (2023). Collection method: clinical testing. Allele origin: unknown.
Comment: NM_001369.2(DNAH5):c.7488_7492del5(E2497Gfs*56) is expected to be pathogenic in the context of primary ciliary dyskinesia, DNAH5-related. This variant is predicted to lead to an abnormal or absent protein product due to the creation of a premature termination codon in DNAH5, a gene where loss-of-function variants are known to be pathogenic. Please note: this variant was assessed in the context of healthy population screening.

NM_001369.3(DNAH5):c.7488_7492del (p.Glu2497fs)

Gene: DNAH5 (dynein axonemal heavy chain 5; minus strand). Cytogenetic location: 5p15.2.
Variant type: Deletion.
Coding change: c.7488_7492del on transcript NM_001369.3 (MANE Select); coding-DNA positions 7488 to 7492, 5 bases deleted (GGAGC; older notation c.7488_7492delGGAGC).
Protein change: p.Glu2497fs; shifts the reading frame from glutamic acid 2497.
Molecular consequence: frameshift variant.
Genome position (GRCh38, 1-based): chr5:13,810,176-13,810,180, GCTCC deleted on the plus strand (GGAGC on the coding strand, the reverse complement: DNAH5 is on the minus strand). VCF-style (leftmost placement, unchanged base first): chr5-13810175-AGCTCC-A. GRCh37 (hg19) VCF-style: chr5-13810284-AGCTCC-A.
Other names: short protein forms E2497fs.
Identifiers: ClinVar variation 5014919 (VCV005014919.1).
Genomic context (GRCh38, chr5:13,810,175, plus strand): 5'-AGCTCCAGCGTCCCTGTGGGCCGAGAGCGCAGCCAGAGCTCCAGGCGGCGCCGTCCGTCC[AGCTCC>A]AGCGCCGCCCCCGCGCTCCACAGCAGCGCGAACACGAACAGCCGCCCCAGGTGAGCCTGG-3'